The following is an entry in ClinVar:

NM_001079524.2(PAICS):c.443C>T (p.Ala148Val)

Gene: PAICS (phosphoribosylaminoimidazole carboxylase and phosphoribosylaminoimidazolesuccinocarboxamide synthase; plus strand). Cytogenetic location: 4q12.
Variant type: single nucleotide variant.
Coding change: c.443C>T on transcript NM_001079524.2 (MANE Select); coding-DNA position 443, C replaced by T.
Protein change: p.Ala148Val; replaces alanine 148 with valine.
Molecular consequence: missense variant.
Genome position (GRCh38, 1-based): chr4:56,448,467, C>T. VCF-style: chr4-56448467-C-T. GRCh37 (hg19) VCF-style: chr4-57314633-C-T.
Other names: c.464C>T, p.Ala155Val (NM_001079525.2); c.1610C>T, p.Ala537Val (NM_001392010.1); c.1526C>T, p.Ala509Val (NM_001392011.1); c.1070C>T, p.Ala357Val (NM_001392012.1); c.443C>T, p.Ala148Val (NM_006452.4); short protein forms A357V, A537V, A509V, A155V, A148V.
Identifiers: ClinVar variation 4985333 (VCV004985333.1).

ClinVar aggregate classification (germline): Likely benign (1 of 4 stars; one submission).

Conditions:
PAICS-related condition.

gnomAD v4.1: 235 of 1,611,756 alleles (0.015%); highest among the groups gnomAD compares: African/African-American, 0.3%; no homozygotes.

Submission:

PreventionGenetics, part of Exact Sciences
Classification: Likely benign for PAICS-related condition. Last evaluated: 2025-04-25. Review status: criteria provided, single submitter. Criteria: ACMG Guidelines, 2015. Collection method: clinical testing. Allele origin: germline.
Comment: This variant is classified as likely benign based on ACMG/AMP sequence variant interpretation guidelines (Richards et al. 2015 PMID: 25741868, with internal and published modifications).